The following is an entry in ClinVar:

ClinVar aggregate classification (germline): Benign/Likely benign. Review status: criteria provided, multiple submitters, no conflicts (2 of 4 stars). 4 submissions from 4 submitters: Benign (1); Likely benign (3). Last evaluated 2024-08-07.

Conditions:
Cataract 5 multiple types (CTRCT5). Also called: CATARACT, MARNER TYPE; CATARACT 5, LAMELLAR; Lamellar cataract. Identifiers: Orphanet 91492, MedGen C0266537, MONDO:0007290, OMIM 116800, HP:0007971.

Allele frequency attached by ClinVar (database versions not stated): 1000 Genomes Project 0.00020; 1000 Genomes Project 30x 0.00031; ExAC 0.00040; gnomAD 0.00041 and 0.00042; TOPMed 0.00042; ESP Exome Variant Server 0.00052.
gnomAD v4.1: 1,292 of 1,607,702 alleles (0.08%); highest among the groups gnomAD compares: Non-Finnish European, 0.1%; no homozygotes.

Submissions (4):

Labcorp Genetics (formerly Invitae), Labcorp
Classification: Likely benign for Cataract 5 multiple types. Last evaluated: 2024-08-07. Review status: criteria provided, single submitter. Criteria: Invitae Variant Classification Sherloc (09022015). Collection method: clinical testing. Allele origin: germline.

CeGaT Center for Human Genetics Tuebingen
Classification: Likely benign. Last evaluated: 2022-03-01. Review status: criteria provided, single submitter. Criteria: CeGaT Center For Human Genetics Tuebingen Variant Classification Criteria Version 2. Collection method: clinical testing. Allele origin: germline. Affected: yes. Observed: 1 variant allele.
Comment: HSF4: BP4, BP7

Illumina Laboratory Services, Illumina
Classification: Benign for Cataract 5 multiple types. Last evaluated: 2018-01-13. Review status: criteria provided, single submitter. Criteria: ICSL Variant Classification Criteria 13 December 2019. Collection method: clinical testing. Allele origin: germline.
Comment: This variant was observed in the ICSL laboratory as part of a predisposition screen in an ostensibly healthy population. It had not been previously curated by ICSL or reported in the Human Gene Mutation Database (HGMD: prior to June 1st, 2018), and was therefore a candidate for classification through an automated scoring system. Utilizing variant allele frequency, disease prevalence and penetrance estimates, and inheritance mode, an automated score was calculated to assess if this variant is too frequent to cause the disease. Based on the score and internal cut-off values, a variant classified as benign is not then subjected to further curation. The score for this variant resulted in a classification of benign for this disease.

Breakthrough Genomics
Classification: Likely benign. Review status: criteria provided, single submitter. Criteria: ACMG Guidelines, 2015. Collection method: not provided. Allele origin: germline. Inheritance: Autosomal dominant inheritance. Affected: yes.

NM_001374675.1(HSF4):c.63C>A (p.Leu21=)

Gene: HSF4 (heat shock transcription factor 4; plus strand). Cytogenetic location: 16q22.1.
Variant type: single nucleotide variant.
Coding change: c.63C>A on transcript NM_001374675.1 (MANE Select); coding-DNA position 63, C replaced by A.
Protein change: p.Leu21=; no amino-acid change (leucine 21 retained).
Molecular consequence: synonymous variant.
Genome position (GRCh38, 1-based): chr16:67,164,874, C>A. VCF-style: chr16-67164874-C-A. GRCh37 (hg19) VCF-style: chr16-67198777-C-A.
Other names: c.63C>A, p.Leu21= (NM_001040667.3, NM_001374674.1, NM_001538.4).
Identifiers: ClinVar variation 887736 (VCV000887736.40), dbSNP rs372135101, ClinGen allele CA8101680.